The following is an entry in ClinVar:

ClinVar aggregate classification (germline): Uncertain significance. Review status: criteria provided, multiple submitters, no conflicts (2 of 4 stars). 2 submissions from 2 submitters: Uncertain significance (2). Last evaluated 2025-03-12.

gnomAD v4.1: 6 of 1,613,560 alleles (0.00037%); highest among the groups gnomAD compares: Admixed American, 0.01%; no homozygotes.

Submissions (2):

Labcorp Genetics (formerly Invitae), Labcorp
Classification: Uncertain significance. Last evaluated: 2025-03-12. Review status: criteria provided, single submitter. Criteria: Invitae Variant Classification Sherloc (09022015). Collection method: clinical testing. Allele origin: germline.
Comment: This sequence change replaces glutamic acid, which is acidic and polar, with aspartic acid, which is acidic and polar, at codon 429 of the SLC4A1 protein (p.Glu429Asp). This variant is present in population databases (no rsID available, gnomAD 0.009%). This variant has not been reported in the literature in individuals affected with SLC4A1-related conditions. Invitae Evidence Modeling of protein sequence and biophysical properties (such as structural, functional, and spatial information, amino acid conservation, physicochemical variation, residue mobility, and thermodynamic stability) indicates that this missense variant is not expected to disrupt SLC4A1 protein function with a negative predictive value of 80%. In summary, the available evidence is currently insufficient to determine the role of this variant in disease. Therefore, it has been classified as a Variant of Uncertain Significance.

Revvity Omics, Revvity
Classification: Uncertain significance. Last evaluated: 2024-05-31. Review status: criteria provided, single submitter. Criteria: ACMG Guidelines, 2015. Collection method: clinical testing. Allele origin: germline.

NM_000342.4(SLC4A1):c.1287A>C (p.Glu429Asp)

Gene: SLC4A1 (solute carrier family 4 member 1 (Diego blood group); minus strand). Cytogenetic location: 17q21.31.
Variant type: single nucleotide variant.
Coding change: c.1287A>C on transcript NM_000342.4 (MANE Select); coding-DNA position 1287, A replaced by C.
Protein change: p.Glu429Asp; replaces glutamic acid 429 with aspartic acid.
Molecular consequence: missense variant.
Genome position (GRCh38, 1-based): chr17:44,257,803, T>G on the plus strand (A>C on the coding strand, the complement: SLC4A1 is on the minus strand). VCF-style: chr17-44257803-T-G. GRCh37 (hg19) VCF-style: chr17-42335171-T-G.
Other names: short protein forms E429D.
Identifiers: ClinVar variation 4080103 (VCV004080103.2).
Genomic context (GRCh38, chr17:44,257,803, plus strand): 5'-AATGCCCTGCACTGCAGTGGAGATCAGCAGCTCCGACACTCCCATCTGGTTCCGGGTCTT[T>G]TCTCCTGTGGGTAGAGGTCACAGTGGGATCAAGGTCAGGAGATCATTTCCAGGAGCCCAT-3'
Protein context (NP_000333.1, residues 419-439): PAITFGGLLG[Glu429Asp]KTRNQMGVSE